The following is an entry in ClinVar:

NM_058216.3(RAD51C):c.206T>C (p.Leu69Pro)

Gene: RAD51C (RAD51 paralog C; plus strand). Cytogenetic location: 17q22.
Variant type: single nucleotide variant.
Coding change: c.206T>C on transcript NM_058216.3 (MANE Select); coding-DNA position 206, T replaced by C.
Protein change: p.Leu69Pro; replaces leucine 69 with proline.
Molecular consequence: missense variant. On other transcripts: non-coding transcript variant (2).
Genome position (GRCh38, 1-based): chr17:58,694,991, T>C. VCF-style: chr17-58694991-T-C. GRCh37 (hg19) VCF-style: chr17-56772352-T-C.
Other names: c.206T>C, p.Leu69Pro (NM_002876.4); short protein forms L69P.
Identifiers: ClinVar variation 538783 (VCV000538783.14), dbSNP rs1555593527, ClinGen allele CA400340035.
Genomic context (GRCh38, chr17:58,694,991, plus strand): 5'-AAGTTGGGATATCTAAAGCAGAAGCCTTAGAAACTCTGCAAATTATCAGAAGAGAATGTC[T>C]CACAAATAAACCAAGATATGCTGGTACATCTGAGTCACACAAGAAGTGTACAGCACTGGA-3'
Protein context (NP_478123.1, residues 59-79): ETLQIIRREC[Leu69Pro]TNKPRYAGTS

ClinVar aggregate classification (germline): Conflicting classifications of pathogenicity. Review status: criteria provided, conflicting classifications (1 of 4 stars). 3 submissions from 3 submitters: Uncertain significance (2); Benign (1). Last evaluated 2025-10-17.

Conditions:
Hereditary cancer-predisposing syndrome. Also called: Neoplastic Syndromes, Hereditary; Tumor predisposition; Hereditary Cancer Syndrome; Hereditary neoplastic syndrome. Identifiers: Orphanet 140162, MedGen C0027672, MeSH D009386, MONDO:0015356.
Fanconi anemia complementation group O. Also called: RAD51C-Related Fanconi Anemia. Identifiers: Orphanet 84, MedGen C3150653, MONDO:0013248, OMIM 613390.

Submissions (3):

Ambry Genetics
Classification: Benign for Hereditary cancer-predisposing syndrome. Last evaluated: 2025-10-17. Review status: criteria provided, single submitter. Criteria: Ambry Variant Classification Scheme 2023. Collection method: clinical testing. Allele origin: germline.

Labcorp Genetics (formerly Invitae), Labcorp
Classification: Uncertain significance for Fanconi anemia complementation group O. Last evaluated: 2024-12-02. Review status: criteria provided, single submitter. Criteria: Invitae Variant Classification Sherloc (09022015). Collection method: clinical testing. Allele origin: germline.
Comment: This sequence change replaces leucine, which is neutral and non-polar, with proline, which is neutral and non-polar, at codon 69 of the RAD51C protein (p.Leu69Pro). This variant is not present in population databases (gnomAD no frequency). This variant has not been reported in the literature in individuals affected with RAD51C-related conditions. ClinVar contains an entry for this variant (Variation ID: 538783). An algorithm developed to predict the effect of missense changes on protein structure and function outputs the following: PolyPhen-2: "Benign". The proline amino acid residue is found in multiple mammalian species, which suggests that this missense change does not adversely affect protein function. In summary, the available evidence is currently insufficient to determine the role of this variant in disease. Therefore, it has been classified as a Variant of Uncertain Significance.

GeneDx
Classification: Uncertain significance. Last evaluated: 2023-03-07. Review status: criteria provided, single submitter. Criteria: GeneDx Variant Classification Process June 2021. Collection method: clinical testing. Allele origin: germline. Affected: yes.
Comment: Not observed at significant frequency in large population cohorts (gnomAD); In silico analysis supports that this missense variant does not alter protein structure/function; Has not been previously published as pathogenic or benign to our knowledge